The following is an entry in ClinVar:

NM_015057.5(MYCBP2):c.6491A>G (p.Asn2164Ser)

Gene: MYCBP2 (MYC binding protein 2; minus strand). Cytogenetic location: 13q22.3.
Variant type: single nucleotide variant.
Coding change: c.6491A>G on transcript NM_015057.5 (MANE Select); coding-DNA position 6491, A replaced by G.
Protein change: p.Asn2164Ser; replaces asparagine 2164 with serine.
Molecular consequence: missense variant.
Genome position (GRCh38, 1-based): chr13:77,164,510, T>C on the plus strand (A>G on the coding strand, the complement: MYCBP2 is on the minus strand). VCF-style: chr13-77164510-T-C. GRCh37 (hg19) VCF-style: chr13-77738645-T-C.
Other names: short protein forms N2164S.
Identifiers: ClinVar variation 4981619 (VCV004981619.1).

ClinVar aggregate classification (germline): Likely benign (1 of 4 stars; one submission).

Conditions:
MYCBP2-related disorder. Also called: MYCBP2-related condition.

gnomAD v4.1: 505 of 1,613,466 alleles (0.031%); highest among the groups gnomAD compares: South Asian, 0.5%; 5 homozygotes.

Submission:

PreventionGenetics, part of Exact Sciences
Classification: Likely benign for MYCBP2-related condition. Last evaluated: 2026-05-20. Review status: criteria provided, single submitter. Criteria: ACMG Guidelines, 2015. Collection method: clinical testing. Allele origin: germline.
Comment: This variant is classified as likely benign based on ACMG/AMP sequence variant interpretation guidelines (Richards et al. 2015 PMID: 25741868, with internal and published modifications).